The following is an entry in ClinVar:

ClinVar aggregate classification (germline): Uncertain significance (1 of 4 stars; one submission).

Conditions:
Charcot-Marie-Tooth disease type 2R. Also called: CHARCOT-MARIE-TOOTH DISEASE, AXONAL, AUTOSOMAL RECESSIVE, TYPE 2R; Charcot-Marie-Tooth disease, axonal, type 2R; CHARCOT-MARIE-TOOTH NEUROPATHY, TYPE 2R. Identifiers: Orphanet 397968, MedGen C3809655, MONDO:0014208, OMIM 615490.

Allele frequency attached by ClinVar (database versions not stated): gnomAD exomes below 0.00001 and 0.00001; ExAC 0.00001.
gnomAD v4.1: 2 of 1,613,874 alleles (0.00012%); highest among the groups gnomAD compares: Non-Finnish European, 0.00017%; no homozygotes.

Submission:

Labcorp Genetics (formerly Invitae), Labcorp
Classification: Uncertain significance for Charcot-Marie-Tooth disease type 2R. Last evaluated: 2023-10-03. Review status: criteria provided, single submitter. Criteria: Invitae Variant Classification Sherloc (09022015). Collection method: clinical testing. Allele origin: germline.
Comment: This sequence change replaces alanine, which is neutral and non-polar, with threonine, which is neutral and polar, at codon 367 of the TRIM2 protein (p.Ala367Thr). This variant is present in population databases (rs745973166, gnomAD 0.004%). This variant has not been reported in the literature in individuals affected with TRIM2-related conditions. ClinVar contains an entry for this variant (Variation ID: 843124). An algorithm developed to predict the effect of missense changes on protein structure and function (PolyPhen-2) suggests that this variant is likely to be tolerated. In summary, the available evidence is currently insufficient to determine the role of this variant in disease. Therefore, it has been classified as a Variant of Uncertain Significance.

NM_015271.5(TRIM2):c.1180G>A (p.Ala394Thr)

Gene: TRIM2 (tripartite motif containing 2; plus strand). Cytogenetic location: 4q31.3.
Variant type: single nucleotide variant.
Coding change: c.1180G>A on transcript NM_015271.5 (MANE Select); coding-DNA position 1180, G replaced by A.
Protein change: p.Ala394Thr; replaces alanine 394 with threonine.
Molecular consequence: missense variant.
Genome position (GRCh38, 1-based): chr4:153,295,706, G>A. VCF-style: chr4-153295706-G-A. GRCh37 (hg19) VCF-style: chr4-154216858-G-A.
Other names: c.1099G>A, p.Ala367Thr (NM_001130067.2, NM_001351056.2, NM_001375512.1 and 5 more transcripts); c.1153G>A, p.Ala385Thr (NM_001351054.2); c.1150G>A, p.Ala384Thr (NM_001351055.2); c.724G>A, p.Ala242Thr (NM_001351057.2); c.1273G>A, p.Ala425Thr (NM_001375488.1); c.1270G>A, p.Ala424Thr (NM_001375489.1); c.1123G>A, p.Ala375Thr (NM_001375490.1); c.1120G>A, p.Ala374Thr (NM_001375491.1); and 3 more; short protein forms A283T, A374T, A424T, A425T, A281T, A367T, A375T, A394T.
Identifiers: ClinVar variation 843124 (VCV000843124.10), dbSNP rs745973166, ClinGen allele CA3108701.